The following is an entry in ClinVar:

ClinVar aggregate classification (germline): Uncertain significance (1 of 4 stars; one submission).

Conditions:
Familial thoracic aortic aneurysm and aortic dissection (TAAD). Also called: Thoracic aortic aneurysms and dissections. Identifiers: Orphanet 91387, MedGen C4707243, MONDO:0019625.

Submission:

Ambry Genetics
Classification: Uncertain significance for Familial thoracic aortic aneurysm and aortic dissection. Last evaluated: 2024-12-28. Review status: criteria provided, single submitter. Criteria: Ambry Variant Classification Scheme 2023. Collection method: clinical testing. Allele origin: germline.
Comment: The p.E2075G variant (also known as c.6224A>G), located in coding exon 34 of the NOTCH1 gene, results from an A to G substitution at nucleotide position 6224. The glutamic acid at codon 2075 is replaced by glycine, an amino acid with similar properties. This amino acid position is conserved. In addition, this alteration is predicted to be deleterious by in silico analysis. Based on the available evidence, the clinical significance of this variant remains unclear.

NM_017617.5(NOTCH1):c.6224A>G (p.Glu2075Gly)

Gene: NOTCH1 (notch receptor 1; minus strand). Cytogenetic location: 9q34.3.
Variant type: single nucleotide variant.
Coding change: c.6224A>G on transcript NM_017617.5 (MANE Select); coding-DNA position 6224, A replaced by G.
Protein change: p.Glu2075Gly; replaces glutamic acid 2075 with glycine.
Molecular consequence: missense variant.
Genome position (GRCh38, 1-based): chr9:136,497,515, T>C on the plus strand (A>G on the coding strand, the complement: NOTCH1 is on the minus strand). VCF-style: chr9-136497515-T-C. GRCh37 (hg19) VCF-style: chr9-139391967-T-C.
Other names: short protein forms E2075G.
Identifiers: ClinVar variation 3880476 (VCV003880476.1).